The following is an entry in ClinVar:

ClinVar aggregate classification (germline): Likely benign. Review status: criteria provided, multiple submitters, no conflicts (2 of 4 stars). 2 submissions from 2 submitters: Likely benign (2). Last evaluated 2021-05-21.

Conditions:
MGAT2-congenital disorder of glycosylation. Also called: MENTAL RETARDATION, GROWTH RETARDATION, PROMINENT COLUMELLA, AND OPEN MOUTH; Alkuraya syndrome; CDG IIa; MGAT2-CDG; Congenital disorder of glycosylation, type IIa. Identifiers: Orphanet 79329, MedGen C2931008, MONDO:0008908, OMIM 212066.

Allele frequency attached by ClinVar (database versions not stated): 1000 Genomes Project 0.01997; 1000 Genomes Project 30x 0.02092; TOPMed 0.02764; gnomAD 0.02852 and 0.02898; gnomAD exomes 0.02933.

Submissions (2):

GeneDx
Classification: Likely benign. Last evaluated: 2021-05-21. Review status: criteria provided, single submitter. Criteria: GeneDx Variant Classification Process June 2021. Collection method: clinical testing. Allele origin: germline. Affected: yes.
Comment: See Variant Classification Assertion Criteria.

Illumina Laboratory Services, Illumina
Classification: Likely benign for MGAT2-congenital disorder of glycosylation. Last evaluated: 2018-01-13. Review status: criteria provided, single submitter. Criteria: ICSL Variant Classification Criteria 13 December 2019. Collection method: clinical testing. Allele origin: germline.
Comment: This variant was observed in the ICSL laboratory as part of a predisposition screen in an ostensibly healthy population. It had not been previously curated by ICSL or reported in the Human Gene Mutation Database (HGMD: prior to June 1st, 2018), and was therefore a candidate for classification through an automated scoring system. Utilizing variant allele frequency, disease prevalence and penetrance estimates, and inheritance mode, an automated score was calculated to assess if this variant is too frequent to cause the disease. Based on the score and internal cut-off values, a variant classified as likely benign is not then subjected to further curation. The score for this variant resulted in a classification of likely benign for this disease.

NM_002408.4(MGAT2):c.*366C>G

Gene: MGAT2 (alpha-1,6-mannosyl-glycoprotein 2-beta-N-acetylglucosaminyltransferase; plus strand). Cytogenetic location: 14q21.3.
Variant type: single nucleotide variant.
Coding change: c.*366C>G on transcript NM_002408.4 (MANE Select); 366 bases downstream of the stop codon, C replaced by G.
Molecular consequence: 3 prime UTR variant.
Genome position (GRCh38, 1-based): chr14:49,622,978, C>G. VCF-style: chr14-49622978-C-G. GRCh37 (hg19) VCF-style: chr14-50089696-C-G.
Identifiers: ClinVar variation 313261 (VCV000313261.7), dbSNP rs1011373, ClinGen allele CA10645404.